The following is an entry in ClinVar:

NM_000291.4(PGK1):c.758T>C (p.Ile253Thr)

Gene: PGK1 (phosphoglycerate kinase 1; plus strand). Cytogenetic location: Xq21.1.
Variant type: single nucleotide variant.
Coding change: c.758T>C on transcript NM_000291.4 (MANE Select); coding-DNA position 758, T replaced by C.
Protein change: p.Ile253Thr; replaces isoleucine 253 with threonine.
Molecular consequence: missense variant.
Genome position (GRCh38, 1-based): chrX:78,123,196, T>C. VCF-style: chrX-78123196-T-C. GRCh37 (hg19) VCF-style: chrX-77378693-T-C.
Other names: I252T; Hamamatsu; short protein forms I253T.
Identifiers: ClinVar variation 9950 (VCV000009950.9), dbSNP rs137852534, ClinGen allele CA120829.

ClinVar aggregate classification (germline): Uncertain significance. Review status: criteria provided, multiple submitters, no conflicts (2 of 4 stars). 5 submissions from 5 submitters: Uncertain significance (3). 2 of the submissions do not count toward it. Last evaluated 2024-12-12.

Conditions:
Glycogen storage disease due to phosphoglycerate kinase 1 deficiency. Also called: PHOSPHOGLYCERATE KINASE 1 DEFICIENCY WITH LEVO-DOPA-RESPONSIVE PARKINSONISM; PGK1 DEFICIENCY. Identifiers: Orphanet 713, MedGen C1970848, MONDO:0010392, OMIM 300653.

Allele frequency attached by ClinVar (database versions not stated): gnomAD exomes 0.00001; TOPMed 0.00001.

Submissions (5):

Labcorp Genetics (formerly Invitae), Labcorp
Classification: Uncertain significance. Last evaluated: 2024-12-12. Review status: criteria provided, single submitter. Criteria: Invitae Variant Classification Sherloc (09022015). Collection method: clinical testing. Allele origin: germline.
Comment: This sequence change replaces isoleucine, which is neutral and non-polar, with threonine, which is neutral and polar, at codon 253 of the PGK1 protein (p.Ile253Thr). This variant is present in population databases (rs137852534, gnomAD 0.003%), including at least one homozygous and/or hemizygous individual. This missense change has been observed in individual(s) with clinical features of phosphoglycerate kinase 1 deficiency (PMID: 9512313, 27848944). ClinVar contains an entry for this variant (Variation ID: 9950). An algorithm developed to predict the effect of missense changes on protein structure and function (PolyPhen-2) suggests that this variant is likely to be disruptive. Experimental studies have shown that this missense change does not substantially affect PGK1 function (PMID: 22348148, 26975778). In summary, the available evidence is currently insufficient to determine the role of this variant in disease. Therefore, it has been classified as a Variant of Uncertain Significance.

Revvity Omics, Revvity
Classification: Uncertain significance for Glycogen storage disease due to phosphoglycerate kinase 1 deficiency. Last evaluated: 2024-09-17. Review status: criteria provided, single submitter. Criteria: ACMG Guidelines, 2015. Collection method: clinical testing. Allele origin: germline.

Victorian Clinical Genetics Services, Murdoch Childrens Research Institute
Classification: Uncertain significance for Glycogen storage disease due to phosphoglycerate kinase 1 deficiency. Last evaluated: 2022-02-02. Review status: criteria provided, single submitter. Criteria: ACMG Guidelines, 2015. Collection method: clinical testing. Allele origin: germline. Inheritance: X-linked recessive inheritance.
Comment: Based on the classification scheme VCGS_Germline_v1.3.4, this variant is classified as VUS-3A. Following criteria are met: 0102 - Loss of function is a known mechanism of disease in this gene and is associated with phosphoglycerate kinase 1 deficiency (MIM#30065). (I) 0109 - This gene is associated with X-linked recessive disease. (I) 0115 - Variants in this gene are known to have variable expressivity. Affected individuals have a highly variable phenotype and age of onset (OMIM). (I) 0200 - Variant is predicted to result in a missense amino acid change from isoleucine to threonine. (I) 0251 - This variant is heterozygous. (I) 0304 - Variant is present in gnomAD <0.01 for a recessive condition (v2) (0 heterozygotes, 0 homozygotes, 2 hemizygotes). (SP) 0501 - Missense variant consistently predicted to be damaging by multiple in silico tools or highly conserved with a major amino acid change. (SP) 0600 - Variant is located in the annotated PGK domain (Pfam). (I) 0705 - No comparable missense variants have previous evidence for pathogenicity. (I) 0802 - This variant has moderate previous evidence of pathogenicity in unrelated individuals. This variant has been reported in 3 patients with phosphoglycerate kinase 1 deficiency (ClinVar, PMIDs: 2715616, 27848944). (SP) 0905 - No published segregation evidence has been identified for this variant. (I) 1010 - Functional evidence for this variant is inconclusive. This variant was shown to faintly affect molecular properties and acted similar to wild-type, however these results correlate with the wide spectrum of clinical symptoms (PMID: 22348148). (I) Legend: (SP) - Supporting pathogenic, (I) - Information, (SB) - Supporting benign

Biochemical Molecular Genetic Laboratory, King Abdulaziz Medical City
Classification: Likely pathogenic for Glycogen storage disease due to phosphoglycerate kinase 1 deficiency. Last evaluated: 2019-09-26. Review status: no assertion criteria provided. Collection method: clinical testing. Allele origin: germline. Affected: yes. Not counted in ClinVar's aggregate classification.

OMIM
Classification: Pathogenic for PHOSPHOGLYCERATE KINASE 1 DEFICIENCY, HAMAMATSU. Last evaluated: 2006-06-01. Review status: no assertion criteria provided. Collection method: literature only. Allele origin: germline. Not counted in ClinVar's aggregate classification.

Literature cited by the submitters: PubMed 9512313 (cited by Labcorp Genetics (formerly Invitae), Labcorp and OMIM); PubMed 27848944 (cited by Labcorp Genetics (formerly Invitae), Labcorp and Victorian Clinical Genetics Services, Murdoch Childrens Research Institute); PubMed 22348148 (cited by Labcorp Genetics (formerly Invitae), Labcorp and Victorian Clinical Genetics Services, Murdoch Childrens Research Institute); PubMed 26975778 (cited by Labcorp Genetics (formerly Invitae), Labcorp); PubMed 2715616 (cited by Victorian Clinical Genetics Services, Murdoch Childrens Research Institute); PubMed 16671097 (cited by OMIM).